The following is an entry in ClinVar:

NM_020937.4(FANCM):c.762T>G (p.Ala254=)

Gene: FANCM (FA complementation group M; plus strand). Cytogenetic location: 14q21.2.
Variant type: single nucleotide variant.
Coding change: c.762T>G on transcript NM_020937.4 (MANE Select); coding-DNA position 762, T replaced by G.
Protein change: p.Ala254=; no amino-acid change (alanine 254 retained).
Molecular consequence: synonymous variant.
Genome position (GRCh38, 1-based): chr14:45,148,839, T>G. VCF-style: chr14-45148839-T-G. GRCh37 (hg19) VCF-style: chr14-45618042-T-G.
Other names: c.684T>G, p.Ala228= (NM_001308133.2); c.762T>G, p.Ala254= (NM_001308134.2).
Identifiers: ClinVar variation 3572296 (VCV003572296.1).

ClinVar aggregate classification (germline): Uncertain significance (1 of 4 stars; one submission).

gnomAD v4.1: 1 of 1,603,616 alleles (0.000062%); highest among the groups gnomAD compares: Admixed American, 0.0017%; no homozygotes.

Submission:

Quest Diagnostics Nichols Institute San Juan Capistrano
Classification: Uncertain significance. Last evaluated: 2024-10-15. Review status: criteria provided, single submitter. Criteria: Quest Diagnostics criteria. Collection method: clinical testing. Allele origin: unknown.
Comment: The FANCM c.762T>G (p.Ala254=) synonymous variant has not been reported in individuals with FANCM-related conditions in the published literature. The frequency of this variant in the general population, 0.0000066 (1/152230 chromosomes (Genome Aggregation Database)), is uninformative in the assessment of its pathogenicity. Analysis of this variant using software algorithms for the prediction of the effect of nucleotide changes on splicing yielded predictions that this variant does not affect FANCM mRNA splicing. Based on the available information, we are unable to determine the clinical significance of this variant.